The following is an entry in ClinVar:

ClinVar aggregate classification (germline): Uncertain significance (1 of 4 stars; one submission).

Conditions:
Familial cancer of breast. Also called: BREAST CANCER, FAMILIAL; Hereditary breast cancer; hereditary breast carcinoma. Identifiers: Orphanet 227535, MedGen C0346153, MONDO:0016419, OMIM 114480. Disease mechanism: loss of function.

Submission:

Labcorp Genetics (formerly Invitae), Labcorp
Classification: Uncertain significance for Familial cancer of breast. Last evaluated: 2024-11-18. Review status: criteria provided, single submitter. Criteria: Invitae Variant Classification Sherloc (09022015). Collection method: clinical testing. Allele origin: germline.
Comment: This sequence change replaces histidine, which is basic and polar, with proline, which is neutral and non-polar, at codon 433 of the BARD1 protein (p.His433Pro). This variant is not present in population databases (gnomAD no frequency). This missense change has been observed in individual(s) with BARD1-related conditions (PMID: 26315354). An algorithm developed to predict the effect of missense changes on protein structure and function (PolyPhen-2) suggests that this variant is likely to be disruptive. In summary, the available evidence is currently insufficient to determine the role of this variant in disease. Therefore, it has been classified as a Variant of Uncertain Significance.

Literature cited by the submitters: PubMed 26315354.

NM_000465.4(BARD1):c.1298A>C (p.His433Pro)

Gene: BARD1 (BRCA1 associated RING domain 1; minus strand). Cytogenetic location: 2q35.
Variant type: single nucleotide variant.
Coding change: c.1298A>C on transcript NM_000465.4 (MANE Select); coding-DNA position 1298, A replaced by C.
Protein change: p.His433Pro; replaces histidine 433 with proline.
Molecular consequence: missense variant. On other transcripts: non-coding transcript variant (2), intron variant (3).
Genome position (GRCh38, 1-based): chr2:214,780,576, T>G on the plus strand (A>C on the coding strand, the complement: BARD1 is on the minus strand). VCF-style: chr2-214780576-T-G. GRCh37 (hg19) VCF-style: chr2-215645300-T-G.
Other names: c.1241A>C, p.His414Pro (NM_001282543.2); c.159-28021A>C (NM_001282548.2); c.215+16485A>C (NM_001282545.2); c.364+11721A>C (NM_001282549.2); short protein forms H414P, H433P.
Identifiers: ClinVar variation 3720404 (VCV003720404.2).